The following is an entry in ClinVar:

ClinVar aggregate classification (germline): Conflicting classifications of pathogenicity. Review status: criteria provided, conflicting classifications (1 of 4 stars). 5 submissions from 5 submitters: Pathogenic (1); Likely pathogenic (2); Uncertain significance (2). Last evaluated 2024-03-07.

Conditions:
Early-infantile DEE. Also called: Ohtahara syndrome; Early infantile epileptic encephalopathy with suppression bursts; Early infantile epileptic encephalopathy. Identifiers: Orphanet 1934, MedGen C0393706, MONDO:0800491.
KCNQ2-Related Disorders. Also called: KCNQ2-related condition; KCNQ2-related disorder. Identifiers: MedGen CN169299.

Submissions (5):

Revvity Omics, Revvity
Classification: Uncertain significance. Last evaluated: 2024-03-07. Review status: criteria provided, single submitter. Criteria: ACMG Guidelines, 2015. Collection method: clinical testing. Allele origin: germline.

PreventionGenetics, part of Exact Sciences
Classification: Uncertain significance for KCNQ2-related condition. Last evaluated: 2023-03-21. Review status: criteria provided, single submitter. Criteria: ACMG Guidelines, 2015. Collection method: clinical testing. Allele origin: germline.
Comment: The KCNQ2 c.1637T>C variant is predicted to result in the amino acid substitution p.Met546Thr. To our knowledge, this variant has not been reported in the literature or in a large population database, indicating it is rare. A different missense variant affecting the same amino acid (p. Met546Val) has been reported to have occurred de novo in an individual with epilepsy and is considered pathogenic (Weckhuysen et al. 2012. PubMed ID: 22275249). The c.1637T>C (p.Met546Thr) variant has conflicting interpretations in ClinVar, including uncertain significance, likely pathogenic, and pathogenic. Although we suspect this variant may be pathogenic, at this time, the clinical significance is uncertain due to the absence of conclusive functional and genetic evidence.

Blueprint Genetics
Classification: Likely pathogenic for KCNQ2-related disorders. Last evaluated: 2021-04-30. Review status: criteria provided, single submitter. Criteria: ACMG Guidelines, 2015. Collection method: clinical testing. Allele origin: germline. Affected: yes. Observed: 1 variant allele.

Labcorp Genetics (formerly Invitae), Labcorp
Classification: Likely pathogenic for Early-infantile DEE. Last evaluated: 2020-12-18. Review status: criteria provided, single submitter. Criteria: Invitae Variant Classification Sherloc (09022015). Collection method: clinical testing. Allele origin: germline.
Comment: In summary, the currently available evidence indicates that the variant is pathogenic, but additional data are needed to prove that conclusively. Therefore, this variant has been classified as Likely Pathogenic. Advanced modeling of protein sequence and biophysical properties (such as structural, functional, and spatial information, amino acid conservation, physicochemical variation, residue mobility, and thermodynamic stability) performed at Invitae indicates that this missense variant is expected to disrupt KCNQ2 protein function. This variant disrupts the p.Met546 amino acid residue in KCNQ2. Other variant(s) that disrupt this residue have been determined to be pathogenic (PMID: 22275249, 24318194). This suggests that this residue is clinically significant, and that variants that disrupt this residue are likely to be disease-causing. This variant has not been reported in the literature in individuals with KCNQ2-related conditions. ClinVar contains an entry for this variant (Variation ID: 280703). This variant is not present in population databases (ExAC no frequency). This sequence change replaces methionine with threonine at codon 546 of the KCNQ2 protein (p.Met546Thr). The methionine residue is moderately conserved and there is a moderate physicochemical difference between methionine and threonine.

GeneDx
Classification: Pathogenic. Last evaluated: 2016-08-16. Review status: criteria provided, single submitter. Criteria: GeneDx Variant Classification (06012015). Collection method: clinical testing. Allele origin: germline. Affected: yes.
Comment: The M546T pathogenic variant in the KCNQ2 gene has not been reported previously as a pathogenic variant, nor as a benign variant, to our knowledge. In addition, functional studies of the M546V variant, denoted as M518V due to alternative nomenclature, demonstrated loss of function and altered conduction of the channel protein (Orhan et al., 2014). The M546T variant was not observed in approximately 6,500 individuals of European and African American ancestry in the NHLBI Exome Sequencing Project, indicating it is not a common benign variant in these populations. The M546T variant is a non-conservative amino acid substitution, which is likely to impact secondary protein structure as these residues differ in polarity, charge, size and/or other properties. This substitution occurs at a position that is conserved across species and is located within the C-terminal cytoplasmic domain (Singh et al., 2003; Richards et al., 2004). In silico analysis predicts this variant is probably damaging to the protein structure/function. We interpret M546T variant as a pathogenic variant.

Literature cited by the submitters: PubMed 22275249 (cited by Labcorp Genetics (formerly Invitae), Labcorp); PubMed 24318194 (cited by Labcorp Genetics (formerly Invitae), Labcorp).

NM_172107.4(KCNQ2):c.1637T>C (p.Met546Thr)

Gene: KCNQ2 (potassium voltage-gated channel subfamily Q member 2; minus strand). Cytogenetic location: 20q13.33.
Variant type: single nucleotide variant.
Coding change: c.1637T>C on transcript NM_172107.4 (MANE Select); coding-DNA position 1637, T replaced by C.
Protein change: p.Met546Thr; replaces methionine 546 with threonine.
Molecular consequence: missense variant.
Genome position (GRCh38, 1-based): chr20:63,413,576, A>G on the plus strand (T>C on the coding strand, the complement: KCNQ2 is on the minus strand). VCF-style: chr20-63413576-A-G. GRCh37 (hg19) VCF-style: chr20-62044929-A-G.
Other names: c.1637T>C (NM_172107.3); c.1553T>C, p.Met518Thr (NM_004518.6); c.1583T>C, p.Met528Thr (NM_172106.3); c.1544T>C, p.Met515Thr (NM_172108.5); short protein forms M546T, M515T, M518T, M528T.
Identifiers: ClinVar variation 280703 (VCV000280703.15), dbSNP rs886041860, ClinGen allele CA10603677.